The following is an entry in ClinVar:

ClinVar aggregate classification (germline): Conflicting classifications of pathogenicity. Review status: criteria provided, conflicting classifications (1 of 4 stars). 2 submissions from 2 submitters: Uncertain significance (1); Likely benign (1). Last evaluated 2026-05-01.

Conditions:
Inborn genetic diseases. Identifiers: MedGen C0950123, MeSH D030342.

gnomAD v4.1: 3 of 1,614,098 alleles (0.00019%); highest among the groups gnomAD compares: Non-Finnish European, 0.00025%; no homozygotes.

Submissions (2):

CeGaT Center for Human Genetics Tuebingen
Classification: Likely benign. Last evaluated: 2026-05-01. Review status: criteria provided, single submitter. Criteria: CeGaT Center For Human Genetics Tuebingen Variant Classification Criteria Version 2. Collection method: clinical testing. Allele origin: germline. Affected: yes. Observed: 1 variant allele.
Comment: SCAF4: BP4

Ambry Genetics
Classification: Uncertain significance for Inborn genetic diseases. Last evaluated: 2025-07-12. Review status: criteria provided, single submitter. Criteria: Ambry Variant Classification Scheme 2023. Collection method: clinical testing. Allele origin: germline.

NM_020706.2(SCAF4):c.1229A>T (p.His410Leu)

Gene: SCAF4 (SR-related CTD associated factor 4; minus strand). Cytogenetic location: 21q22.11.
Variant type: single nucleotide variant.
Coding change: c.1229A>T on transcript NM_020706.2 (MANE Select); coding-DNA position 1229, A replaced by T.
Protein change: p.His410Leu; replaces histidine 410 with leucine.
Molecular consequence: missense variant.
Genome position (GRCh38, 1-based): chr21:31,694,820, T>A on the plus strand (A>T on the coding strand, the complement: SCAF4 is on the minus strand). VCF-style: chr21-31694820-T-A. GRCh37 (hg19) VCF-style: chr21-33067133-T-A.
Other names: c.1184A>T, p.His395Leu (NM_001145444.1); c.1229A>T, p.His410Leu (NM_001145445.1); short protein forms H395L, H410L.
Identifiers: ClinVar variation 4160103 (VCV004160103.3).